The following is an entry in ClinVar:

NM_006231.4(POLE):c.1702G>A (p.Asp568Asn)

Gene: POLE (DNA polymerase epsilon, catalytic subunit; minus strand). Cytogenetic location: 12q24.33.
Variant type: single nucleotide variant.
Coding change: c.1702G>A on transcript NM_006231.4 (MANE Select); coding-DNA position 1702, G replaced by A.
Protein change: p.Asp568Asn; replaces aspartic acid 568 with asparagine.
Molecular consequence: missense variant.
Genome position (GRCh38, 1-based): chr12:132,672,307, C>T on the plus strand (G>A on the coding strand, the complement: POLE is on the minus strand). VCF-style: chr12-132672307-C-T. GRCh37 (hg19) VCF-style: chr12-133248893-C-T.
Other names: c.1702G>A (NM_006231.2); short protein forms D568N.
Identifiers: ClinVar variation 648684 (VCV000648684.9), dbSNP rs115340410, ClinGen allele CA246292984.

ClinVar aggregate classification (germline): Uncertain significance. Review status: criteria provided, multiple submitters, no conflicts (2 of 4 stars). 2 submissions from 2 submitters: Uncertain significance (2). Last evaluated 2024-06-14.

Conditions:
Hereditary cancer-predisposing syndrome. Also called: Neoplastic Syndromes, Hereditary; Tumor predisposition; Hereditary Cancer Syndrome; Hereditary neoplastic syndrome. Identifiers: Orphanet 140162, MedGen C0027672, MeSH D009386, MONDO:0015356.

Allele frequency attached by ClinVar (database versions not stated): gnomAD exomes below 0.00001.
gnomAD v4.1: 1 of 1,614,118 alleles (0.000062%); highest among the groups gnomAD compares: African/African-American, 0.0013%; no homozygotes.

Submissions (2):

Ambry Genetics
Classification: Uncertain significance for Hereditary cancer-predisposing syndrome. Last evaluated: 2024-06-14. Review status: criteria provided, single submitter. Criteria: Ambry Variant Classification Scheme 2023. Collection method: clinical testing. Allele origin: germline.
Comment: The p.D568N variant (also known as c.1702G>A), located in coding exon 16 of the POLE gene, results from a G to A substitution at nucleotide position 1702. The aspartic acid at codon 568 is replaced by asparagine, an amino acid with highly similar properties. This amino acid position is conserved. In addition, this alteration is predicted to be tolerated by in silico analysis. Based on the available evidence, the clinical significance of this variant remains unclear.

Labcorp Genetics (formerly Invitae), Labcorp
Classification: Uncertain significance. Last evaluated: 2021-02-23. Review status: criteria provided, single submitter. Criteria: Invitae Variant Classification Sherloc (09022015). Collection method: clinical testing. Allele origin: germline.
Comment: This sequence change replaces aspartic acid with asparagine at codon 568 of the POLE protein (p.Asp568Asn). The aspartic acid residue is highly conserved and there is a small physicochemical difference between aspartic acid and asparagine. In summary, the available evidence is currently insufficient to determine the role of this variant in disease. Therefore, it has been classified as a Variant of Uncertain Significance. Algorithms developed to predict the effect of missense changes on protein structure and function are either unavailable or do not agree on the potential impact of this missense change (SIFT: "Deleterious"; PolyPhen-2: "Benign"; Align-GVGD: "Class C0"). This variant has not been reported in the literature in individuals with POLE-related conditions. This variant is not present in population databases (ExAC no frequency).